The following is an entry in ClinVar:

ClinVar aggregate classification (germline): Uncertain significance (1 of 4 stars; one submission).

Conditions:
Familial thoracic aortic aneurysm and aortic dissection (TAAD). Also called: Thoracic aortic aneurysms and dissections. Identifiers: Orphanet 91387, MedGen C4707243, MONDO:0019625.

Submission:

Color Diagnostics, LLC DBA Color Health
Classification: Uncertain significance for Familial thoracic aortic aneurysm and aortic dissection. Last evaluated: 2020-12-08. Review status: criteria provided, single submitter. Criteria: ACMG Guidelines, 2015. Collection method: clinical testing. Allele origin: germline.
Comment: This missense variant replaces methionine with isoleucine at codon 1688 of the FBN1 protein. Computational prediction suggests that this variant may have deleterious impact on protein structure and function (internally defined REVEL score threshold >= 0.7, PMID: 27666373). To our knowledge, functional studies have not been reported for this variant. This variant has not been reported in individuals affected with cardiovascular disorders in the literature. This variant has not been identified in the general population by the Genome Aggregation Database (gnomAD). The available evidence is insufficient to determine the role of this variant in disease conclusively. Therefore, this variant is classified as a Variant of Uncertain Significance.

NM_000138.5(FBN1):c.5064G>T (p.Met1688Ile)

Gene: FBN1 (fibrillin 1; minus strand). Cytogenetic location: 15q21.1.
Variant type: single nucleotide variant.
Coding change: c.5064G>T on transcript NM_000138.5 (MANE Select); coding-DNA position 5064, G replaced by T.
Protein change: p.Met1688Ile; replaces methionine 1688 with isoleucine.
Molecular consequence: missense variant.
Genome position (GRCh38, 1-based): chr15:48,463,900, C>A on the plus strand (G>T on the coding strand, the complement: FBN1 is on the minus strand). VCF-style: chr15-48463900-C-A. GRCh37 (hg19) VCF-style: chr15-48756097-C-A.
Other names: short protein forms M1688I.
Identifiers: ClinVar variation 1171802 (VCV001171802.2), dbSNP rs2141267563, ClinGen allele CA392349490.